The following is an entry in ClinVar:

ClinVar aggregate classification (germline): Likely benign (1 of 4 stars; one submission).

gnomAD v4.1: 45 of 1,614,082 alleles (0.0028%); highest among the groups gnomAD compares: Non-Finnish European, 0.0036%; no homozygotes.

Submission:

CeGaT Center for Human Genetics Tuebingen
Classification: Likely benign. Last evaluated: 2023-08-01. Review status: criteria provided, single submitter. Criteria: CeGaT Center For Human Genetics Tuebingen Variant Classification Criteria Version 2. Collection method: clinical testing. Allele origin: germline. Affected: yes. Observed: 1 variant allele.
Comment: DNAJC12: BP4, BP7

NM_021800.3(DNAJC12):c.252G>C (p.Ser84=)

Gene: DNAJC12 (DnaJ heat shock protein family (Hsp40) member C12; minus strand). Cytogenetic location: 10q21.3.
Variant type: single nucleotide variant.
Coding change: c.252G>C on transcript NM_021800.3 (MANE Select); coding-DNA position 252, G replaced by C.
Protein change: p.Ser84=; no amino-acid change (serine 84 retained).
Molecular consequence: synonymous variant.
Genome position (GRCh38, 1-based): chr10:67,811,569, C>G on the plus strand (G>C on the coding strand, the complement: DNAJC12 is on the minus strand). VCF-style: chr10-67811569-C-G. GRCh37 (hg19) VCF-style: chr10-69571327-C-G.
Other names: c.252G>C, p.Ser84= (NM_201262.2).
Identifiers: ClinVar variation 2640518 (VCV002640518.24), dbSNP rs202186686, ClinGen allele CA5520865.
Genomic context (GRCh38, chr10:67,811,569, plus strand): 5'-CAGCGAGAAACCCACCGTCTTCACTGAGTCATTCAAAGCTTCCCACTGCTGGAATGGCAT[C>G]GACATCTGGCTCCTTCGCCAGTGGTCATAGCGGGCTCGACTCTCTTCATTGGTCAGAATC-3'
Protein context (NP_068572.1, residues 74-94): RYDHWRRSQM[Ser84=]MPFQQWEALN